The following is an entry in ClinVar:

ClinVar aggregate classification (germline): Uncertain significance. Review status: criteria provided, multiple submitters, no conflicts (2 of 4 stars). 2 submissions from 2 submitters: Uncertain significance (2). Last evaluated 2025-03-05.

Conditions:
Hereditary nonpolyposis colorectal neoplasms. Identifiers: MedGen C0009405, MeSH D003123.
Hereditary cancer-predisposing syndrome. Also called: Hereditary Cancer Syndrome; Hereditary neoplastic syndrome; Neoplastic Syndromes, Hereditary; Tumor predisposition. Identifiers: Orphanet 140162, MedGen C0027672, MeSH D009386, MONDO:0015356.

Submissions (2):

Labcorp Genetics (formerly Invitae), Labcorp
Classification: Uncertain significance for Hereditary nonpolyposis colorectal neoplasms. Last evaluated: 2025-03-05. Review status: criteria provided, single submitter. Criteria: Invitae Variant Classification Sherloc (09022015). Collection method: clinical testing. Allele origin: germline.
Comment: This sequence change replaces methionine, which is neutral and non-polar, with threonine, which is neutral and polar, at codon 136 of the PMS2 protein (p.Met136Thr). This variant is not present in population databases (gnomAD no frequency). This variant has not been reported in the literature in individuals affected with PMS2-related conditions. ClinVar contains an entry for this variant (Variation ID: 455717). Invitae Evidence Modeling incorporating data from in vitro experimental studies (internal data) indicates that this missense variant is not expected to disrupt PMS2 function with a negative predictive value of 95%. In summary, the available evidence is currently insufficient to determine the role of this variant in disease. Therefore, it has been classified as a Variant of Uncertain Significance.

Ambry Genetics
Classification: Uncertain significance for Hereditary cancer-predisposing syndrome. Last evaluated: 2025-02-07. Review status: criteria provided, single submitter. Criteria: Ambry Variant Classification Scheme 2023. Collection method: clinical testing. Allele origin: germline.
Comment: The p.M136T variant (also known as c.407T>C), located in coding exon 5 of the PMS2 gene, results from a T to C substitution at nucleotide position 407. The methionine at codon 136 is replaced by threonine, an amino acid with similar properties. This amino acid position is conserved. In addition, this alteration is predicted to be tolerated by in silico analysis. Based on the available evidence, the clinical significance of this variant remains unclear.

NM_000535.7(PMS2):c.407T>C (p.Met136Thr)

Gene: PMS2 (PMS1 homolog 2, mismatch repair system component; minus strand). Cytogenetic location: 7p22.1.
Variant type: single nucleotide variant.
Coding change: c.407T>C on transcript NM_000535.7 (MANE Select); coding-DNA position 407, T replaced by C.
Protein change: p.Met136Thr; replaces methionine 136 with threonine.
Molecular consequence: missense variant. On other transcripts: initiator codon variant (6), 5 prime UTR variant (2), non-coding transcript variant (1).
Genome position (GRCh38, 1-based): chr7:6,002,583, A>G on the plus strand (T>C on the coding strand, the complement: PMS2 is on the minus strand). VCF-style: chr7-6002583-A-G. GRCh37 (hg19) VCF-style: chr7-6042214-A-G.
Other names: c.2T>C, p.Met1Thr (NM_001322003.2, NM_001322004.2, NM_001322005.2 and 3 more transcripts); c.407T>C, p.Met136Thr (NM_001322006.2, NM_001322014.2); c.89T>C, p.Met30Thr (NM_001322007.2, NM_001322008.2); c.-478T>C (NM_001322011.2, NM_001322012.2); c.98T>C, p.Met33Thr (NM_001322015.2); short protein forms M136T, M30T, M1T, M33T.
Identifiers: ClinVar variation 455717 (VCV000455717.10), dbSNP rs1554304050, ClinGen allele CA366744416.